The following is an entry in ClinVar:

ClinVar aggregate classification (germline): Likely benign. Review status: criteria provided, multiple submitters, no conflicts (2 of 4 stars). 5 submissions from 5 submitters: Likely benign (5). Last evaluated 2025-01-23.

Conditions:
Hereditary cancer-predisposing syndrome. Also called: Tumor predisposition; Neoplastic Syndromes, Hereditary; Hereditary Cancer Syndrome; Hereditary neoplastic syndrome. Identifiers: Orphanet 140162, MedGen C0027672, MeSH D009386, MONDO:0015356.
Hereditary breast ovarian cancer syndrome. Also called: Hereditary breast and ovarian cancer; Hereditary breast and ovarian cancer syndrome (HBOC); Hereditary breast and/or ovarian cancer syndrome; Hereditary breast and ovarian cancer syndrome; Breast and ovarian cancer; BRCA1- and BRCA2-Associated Hereditary Breast and Ovarian Cancer. Identifiers: Orphanet 145, MedGen C0677776, MeSH D061325, MONDO:0003582. Disease mechanism: loss of function.
Breast-ovarian cancer, familial, susceptibility to, 2 (BROVCA2). Also called: BRCA2 Hereditary Breast and Ovarian Cancer. Identifiers: Orphanet 145, MedGen C2675520, MONDO:0012933, OMIM 612555. Disease mechanism: loss of function.

Submissions (5):

Labcorp Genetics (formerly Invitae), Labcorp
Classification: Likely benign for Hereditary breast ovarian cancer syndrome. Last evaluated: 2025-01-23. Review status: criteria provided, single submitter. Criteria: Invitae Variant Classification Sherloc (09022015). Collection method: clinical testing. Allele origin: germline.

Ambry Genetics
Classification: Likely benign for Hereditary cancer-predisposing syndrome. Last evaluated: 2024-12-29. Review status: criteria provided, single submitter. Criteria: Ambry Variant Classification Scheme 2023. Collection method: clinical testing. Allele origin: germline.

All of Us Research Program, National Institutes of Health
Classification: Likely benign for Breast-ovarian cancer, familial, susceptibility to, 2. Last evaluated: 2023-02-24. Review status: criteria provided, single submitter. Criteria: ACMG Guidelines, 2015. Collection method: clinical testing. Allele origin: germline. Inheritance: Autosomal dominant inheritance. Observed: 1 variant allele, 1 heterozygote.
Comment: This study involves interpretation of variants in research participants for the purpose of population health screening. Participant phenotype was not available at the time of variant classification. Additional details can be found in publication PMID: 35346344, PMCID: PMC8962531

GeneDx
Classification: Likely benign. Last evaluated: 2020-02-18. Review status: criteria provided, single submitter. Criteria: GeneDx Variant Classification Process June 2021. Collection method: clinical testing. Allele origin: germline. Affected: yes.

Color Diagnostics, LLC DBA Color Health
Classification: Likely benign for Hereditary cancer-predisposing syndrome. Last evaluated: 2018-08-21. Review status: criteria provided, single submitter. Criteria: ACMG Guidelines, 2015. Collection method: clinical testing. Allele origin: germline.

NM_000059.4(BRCA2):c.4362A>G (p.Pro1454=)

Gene: BRCA2 (BRCA2 DNA repair associated; plus strand). Cytogenetic location: 13q13.1.
Variant type: single nucleotide variant.
Coding change: c.4362A>G on transcript NM_000059.4 (MANE Select); coding-DNA position 4362, A replaced by G.
Protein change: p.Pro1454=; no amino-acid change (proline 1454 retained).
Molecular consequence: synonymous variant.
Genome position (GRCh38, 1-based): chr13:32,338,717, A>G. VCF-style: chr13-32338717-A-G. GRCh37 (hg19) VCF-style: chr13-32912854-A-G.
Identifiers: ClinVar variation 629083 (VCV000629083.9), dbSNP rs1566230132, ClinGen allele CA483438271.
Genomic context (GRCh38, chr13:32,338,717, plus strand): 5'-AAATATTAGTGTCGCCAAAGAGTCATTTAATAAAATTGTAAATTTCTTTGATCAGAAACC[A>G]GAAGAATTGCATAACTTTTCCTTAAATTCTGAATTACATTCTGACATAAGAAAGAACAAA-3'
Protein context (NP_000050.3, residues 1444-1464): NKIVNFFDQK[Pro1454=]EELHNFSLNS